The following is an entry in ClinVar:

ClinVar aggregate classification (germline): Uncertain significance (1 of 4 stars; one submission).

gnomAD v4.1: 1 of 1,609,702 alleles (0.000062%); highest among the groups gnomAD compares: Non-Finnish European, 0.000085%; no homozygotes.

Submission:

Labcorp Genetics (formerly Invitae), Labcorp
Classification: Uncertain significance. Last evaluated: 2024-06-19. Review status: criteria provided, single submitter. Criteria: Invitae Variant Classification Sherloc (09022015). Collection method: clinical testing. Allele origin: germline.
Comment: This sequence change replaces tyrosine, which is neutral and polar, with histidine, which is basic and polar, at codon 149 of the SYT2 protein (p.Tyr149His). This variant is not present in population databases (gnomAD no frequency). This variant has not been reported in the literature in individuals affected with SYT2-related conditions. Advanced modeling of protein sequence and biophysical properties (such as structural, functional, and spatial information, amino acid conservation, physicochemical variation, residue mobility, and thermodynamic stability) performed at Invitae indicates that this missense variant is expected to disrupt SYT2 protein function with a positive predictive value of 80%. In summary, the available evidence is currently insufficient to determine the role of this variant in disease. Therefore, it has been classified as a Variant of Uncertain Significance.

NM_177402.5(SYT2):c.445T>C (p.Tyr149His)

Gene: SYT2 (synaptotagmin 2; minus strand). Cytogenetic location: 1q32.1.
Variant type: single nucleotide variant.
Coding change: c.445T>C on transcript NM_177402.5 (MANE Select); coding-DNA position 445, T replaced by C.
Protein change: p.Tyr149His; replaces tyrosine 149 with histidine.
Molecular consequence: missense variant.
Genome position (GRCh38, 1-based): chr1:202,603,019, A>G on the plus strand (T>C on the coding strand, the complement: SYT2 is on the minus strand). VCF-style: chr1-202603019-A-G. GRCh37 (hg19) VCF-style: chr1-202572147-A-G.
Other names: c.445T>C, p.Tyr149His (NM_001136504.1); short protein forms Y149H.
Identifiers: ClinVar variation 3651380 (VCV003651380.2).